The following is an entry in ClinVar:

ClinVar aggregate classification (germline): Uncertain significance (1 of 4 stars; one submission).

Conditions:
Duchenne muscular dystrophy (DMD). Also called: MUSCULAR DYSTROPHY, PSEUDOHYPERTROPHIC PROGRESSIVE, DUCHENNE TYPE; Duchenne Muscular Dystrophy (DMD). Identifiers: Orphanet 98896, MedGen C0013264, MONDO:0010679, OMIM 310200.

gnomAD v4.1: 1 of 1,211,464 alleles (0.000083%); highest among the groups gnomAD compares: African/African-American, 0.0017%; no homozygotes.

Submission:

Labcorp Genetics (formerly Invitae), Labcorp
Classification: Uncertain significance for Duchenne muscular dystrophy. Last evaluated: 2025-01-26. Review status: criteria provided, single submitter. Criteria: Invitae Variant Classification Sherloc (09022015). Collection method: clinical testing. Allele origin: germline.
Comment: This sequence change replaces tryptophan, which is neutral and slightly polar, with leucine, which is neutral and non-polar, at codon 651 of the DMD protein (p.Trp651Leu). This variant is not present in population databases (gnomAD no frequency). This variant has not been reported in the literature in individuals affected with DMD-related conditions. Invitae Evidence Modeling of protein sequence and biophysical properties (such as structural, functional, and spatial information, amino acid conservation, physicochemical variation, residue mobility, and thermodynamic stability) indicates that this missense variant is not expected to disrupt DMD protein function with a negative predictive value of 95%. In summary, the available evidence is currently insufficient to determine the role of this variant in disease. Therefore, it has been classified as a Variant of Uncertain Significance.

NM_004006.3(DMD):c.1952G>T (p.Trp651Leu)

Gene: DMD (dystrophin; minus strand). Cytogenetic location: Xp21.1.
Variant type: single nucleotide variant.
Coding change: c.1952G>T on transcript NM_004006.3 (MANE Select); coding-DNA position 1952, G replaced by T.
Protein change: p.Trp651Leu; replaces tryptophan 651 with leucine.
Molecular consequence: missense variant.
Genome position (GRCh38, 1-based): chrX:32,565,742, C>A on the plus strand (G>T on the coding strand, the complement: DMD is on the minus strand). VCF-style: chrX-32565742-C-A. GRCh37 (hg19) VCF-style: chrX-32583859-C-A.
Other names: c.1928G>T, p.Trp643Leu (NM_000109.4); c.1940G>T, p.Trp647Leu (NM_004009.3); c.1583G>T, p.Trp528Leu (NM_004010.3); short protein forms W651L, W647L, W643L, W528L.
Identifiers: ClinVar variation 3634857 (VCV003634857.2).